The following is an entry in ClinVar:

ClinVar aggregate classification (germline): Uncertain significance (1 of 4 stars; one submission).

Conditions:
Hereditary cancer-predisposing syndrome. Also called: Neoplastic Syndromes, Hereditary; Tumor predisposition; Hereditary Cancer Syndrome; Hereditary neoplastic syndrome. Identifiers: Orphanet 140162, MedGen C0027672, MeSH D009386, MONDO:0015356.

Submission:

Ambry Genetics
Classification: Uncertain significance for Hereditary cancer-predisposing syndrome. Last evaluated: 2025-09-20. Review status: criteria provided, single submitter. Criteria: Ambry Variant Classification Scheme 2023. Collection method: clinical testing. Allele origin: germline.
Comment: The p.D1053E variant (also known as c.3159T>A), located in coding exon 11 of the PALB2 gene, results from a T to A substitution at nucleotide position 3159. The aspartic acid at codon 1053 is replaced by glutamic acid, an amino acid with highly similar properties. This amino acid position is conserved. In addition, this alteration is predicted to be tolerated by in silico analysis. Based on the available evidence, the clinical significance of this variant remains unclear.

NM_024675.4(PALB2):c.3159T>A (p.Asp1053Glu)

Gene: PALB2 (partner and localizer of BRCA2; minus strand). Cytogenetic location: 16p12.2.
Variant type: single nucleotide variant.
Coding change: c.3159T>A on transcript NM_024675.4 (MANE Select); coding-DNA position 3159, T replaced by A.
Protein change: p.Asp1053Glu; replaces aspartic acid 1053 with glutamic acid.
Molecular consequence: missense variant. On other transcripts: intron variant (3).
Genome position (GRCh38, 1-based): chr16:23,614,046, A>T on the plus strand (T>A on the coding strand, the complement: PALB2 is on the minus strand). VCF-style: chr16-23614046-A-T. GRCh37 (hg19) VCF-style: chr16-23625367-A-T.
Other names: c.3099T>A, p.Asp1033Glu (NM_001407296.1); c.3087T>A, p.Asp1029Glu (NM_001407297.1); c.2997T>A, p.Asp999Glu (NM_001407298.1, NM_001407302.1); c.2880T>A, p.Asp960Glu (NM_001407300.1); c.3159T>A, p.Asp1053Glu (NM_001407301.1); c.2274T>A, p.Asp758Glu (NM_001407304.1, NM_001407305.1, NM_001407306.1 and 2 more transcripts); c.2112T>A, p.Asp704Glu (NM_001407307.1); c.1371T>A, p.Asp457Glu (NM_001407312.1, NM_001407313.1); and 3 more; short protein forms D1029E, D1033E, D704E, D1053E, D231E, D758E, D999E, D960E.
Identifiers: ClinVar variation 4663578 (VCV004663578.1).